The following is an entry in ClinVar:

NM_015046.7(SETX):c.4390C>T (p.Pro1464Ser)

Gene: SETX (senataxin; minus strand). Cytogenetic location: 9q34.13.
Variant type: single nucleotide variant.
Coding change: c.4390C>T on transcript NM_015046.7 (MANE Select); coding-DNA position 4390, C replaced by T.
Protein change: p.Pro1464Ser; replaces proline 1464 with serine.
Molecular consequence: missense variant.
Genome position (GRCh38, 1-based): chr9:132,327,208, G>A on the plus strand (C>T on the coding strand, the complement: SETX is on the minus strand). VCF-style: chr9-132327208-G-A. GRCh37 (hg19) VCF-style: chr9-135202595-G-A.
Other names: c.4390C>T (NM_015046.5); c.4390C>T, p.Pro1464Ser (NM_001351527.2, NM_001351528.2); short protein forms P1464S.
Identifiers: ClinVar variation 810453 (VCV000810453.48), dbSNP rs756080695, ClinGen allele CA5297209.

ClinVar aggregate classification (germline): Conflicting classifications of pathogenicity. Review status: criteria provided, conflicting classifications (1 of 4 stars). 4 submissions from 4 submitters: Uncertain significance (3); Benign (1). Last evaluated 2025-10-04.

Conditions:
SETX-related disorder. Also called: SETX-related condition; SETX-related disorders. Identifiers: MedGen CN239403.
Amyotrophic lateral sclerosis type 4 (ALS4). Also called: NEURONOPATHY, DISTAL HEREDITARY MOTOR, WITH PYRAMIDAL FEATURES; AMYOTROPHIC LATERAL SCLEROSIS 4, JUVENILE. Identifiers: Orphanet 357043, MedGen C1865409, MONDO:0011223, OMIM 602433.
Spinocerebellar ataxia, autosomal recessive, with axonal neuropathy 2 (SCAN2). Also called: ATAXIA-OCULOMOTOR APRAXIA 2; Ataxia-ocular apraxia-2; Ataxia with Oculomotor Apraxia; Ataxia with Oculomotor Apraxia Type 2. Identifiers: Orphanet 64753, MedGen C1853761, MONDO:0018996, OMIM 606002.

Allele frequency attached by ClinVar (database versions not stated): TOPMed 0.00002; gnomAD 0.00003; gnomAD exomes 0.00003 and 0.00005; ExAC 0.00005.
gnomAD v4.1: 52 of 1,613,994 alleles (0.0032%); highest among the groups gnomAD compares: Admixed American, 0.0033%; no homozygotes.

Submissions (4):

Labcorp Genetics (formerly Invitae), Labcorp
Classification: Benign for Amyotrophic lateral sclerosis type 4; Spinocerebellar ataxia, autosomal recessive, with axonal neuropathy 2. Last evaluated: 2025-10-04. Review status: criteria provided, single submitter. Criteria: Invitae Variant Classification Sherloc (09022015). Collection method: clinical testing. Allele origin: germline.

PreventionGenetics, part of Exact Sciences
Classification: Uncertain significance for SETX-related condition. Last evaluated: 2025-05-07. Review status: criteria provided, single submitter. Criteria: ACMG Guidelines, 2015. Collection method: clinical testing. Allele origin: germline.
Comment: The SETX c.4390C>T variant is predicted to result in the amino acid substitution p.Pro1464Ser. To our knowledge, this variant has not been reported in the literature. This variant is reported in 0.0079% of alleles in individuals of European (non-Finnish) descent in gnomAD. At this time, the clinical significance of this variant is uncertain due to the absence of conclusive functional and genetic evidence.

Blueprint Genetics
Classification: Uncertain significance. Last evaluated: 2024-10-24. Review status: criteria provided, single submitter. Criteria: ACMG Guidelines, 2015. Collection method: clinical testing. Allele origin: germline.

CeGaT Center for Human Genetics Tuebingen
Classification: Uncertain significance. Last evaluated: 2018-11-01. Review status: criteria provided, single submitter. Criteria: CeGaT Center For Human Genetics Tuebingen Variant Classification Criteria Version 2. Collection method: clinical testing. Allele origin: germline. Affected: yes. Observed: 1 variant allele.